The following is an entry in ClinVar:

NM_201384.3(PLEC):c.7996G>A (p.Ala2666Thr)

Gene: PLEC (plectin; minus strand). Cytogenetic location: 8q24.3.
Variant type: single nucleotide variant.
Coding change: c.7996G>A on transcript NM_201384.3 (MANE Select); coding-DNA position 7996, G replaced by A.
Protein change: p.Ala2666Thr; replaces alanine 2666 with threonine.
Molecular consequence: missense variant.
Genome position (GRCh38, 1-based): chr8:143,921,825, C>T on the plus strand (G>A on the coding strand, the complement: PLEC is on the minus strand). VCF-style: chr8-143921825-C-T. GRCh37 (hg19) VCF-style: chr8-144995993-C-T.
Other names: c.8077G>A, p.Ala2693Thr (NM_000445.5); c.4696G>A, p.Ala1566Thr (NM_001410941.1); c.7954G>A, p.Ala2652Thr (NM_201378.4); c.7930G>A, p.Ala2644Thr (NM_201379.3); c.8407G>A, p.Ala2803Thr (NM_201380.4); c.7900G>A, p.Ala2634Thr (NM_201381.3); c.7996G>A, p.Ala2666Thr (NM_201382.4); c.8008G>A, p.Ala2670Thr (NM_201383.3); short protein forms A2666T, A2693T, A1566T, A2644T, A2652T, A2634T, A2670T, A2803T.
Identifiers: ClinVar variation 4790041 (VCV004790041.1).
Genomic context (GRCh38, chr8:143,921,825, plus strand): 5'-CCCGCCGTGCGAGCTCGTCCACCGTGGTGTGGCCCTGCGCCAACCGCTGCAGCTCCTCCG[C>T]ACTCAGGATGCCGGCCTCCTGCAGCCTCTGAGCTGACACCTTCCGCCGCAGGCCATCGAA-3'
Protein context (NP_958786.1, residues 2656-2676): QRLQEAGILS[Ala2666Thr]EELQRLAQGH

ClinVar aggregate classification (germline): Uncertain significance (1 of 4 stars; one submission).

Conditions:
Epidermolysis bullosa simplex with nail dystrophy (EBS5D). Identifiers: MedGen C4225309, MONDO:0014661, OMIM 616487.
Epidermolysis bullosa simplex, Ogna type (EBS5A). Also called: EPIDERMOLYSIS BULLOSA SIMPLEX 5A, OGNA TYPE; Pidermolysis bullosa simplex 5A, Ogna type. Identifiers: Orphanet 79401, MedGen C0432317, MONDO:0007555, OMIM 131950.
Autosomal recessive limb-girdle muscular dystrophy type 2Q (LGMDR17). Also called: MUSCULAR DYSTROPHY, LIMB-GIRDLE, AUTOSOMAL RECESSIVE 17. Identifiers: Orphanet 254361, MedGen C3150989, MONDO:0013390, OMIM 613723.
Epidermolysis bullosa simplex 5B, with muscular dystrophy (EBS5B). Also called: EPIDERMOLYSIS BULLOSA SIMPLEX AND LIMB-GIRDLE MUSCULAR DYSTROPHY; Epidermolysis bullosa simplex with muscular dystrophy. Identifiers: Orphanet 257, MedGen C2931072, MONDO:0009181, OMIM 226670.
Epidermolysis bullosa simplex 5C, with pyloric atresia (EBS5C). Also called: PLEC-Related Epidermolysis Bullosa with Pyloric Atresia; Epidermolysis bullosa simplex with pyloric atresia; PLEC1-Related Epidermolysis Bullosa with Pyloric Atresia. Identifiers: Orphanet 158684, MedGen C2677349, MONDO:0012807, OMIM 612138.

gnomAD v4.1: 1 of 1,607,548 alleles (0.000062%); highest among the groups gnomAD compares: Admixed American, 0.0017%; no homozygotes.

Submission:

Labcorp Genetics (formerly Invitae), Labcorp
Classification: Uncertain significance for Autosomal recessive limb-girdle muscular dystrophy type 2Q; Epidermolysis bullosa simplex, Ogna type; Epidermolysis bullosa simplex with nail dystrophy; Epidermolysis bullosa simplex 5C, with pyloric atresia; Epidermolysis bullosa simplex 5B, with muscular dystrophy. Last evaluated: 2025-08-20. Review status: criteria provided, single submitter. Criteria: Invitae Variant Classification Sherloc (09022015). Collection method: clinical testing. Allele origin: germline.
Comment: This sequence change replaces alanine, which is neutral and non-polar, with threonine, which is neutral and polar, at codon 2693 of the PLEC protein (p.Ala2693Thr). This variant is present in population databases (rs782604713, gnomAD 0.003%). This variant has not been reported in the literature in individuals affected with PLEC-related conditions. An algorithm developed to predict the effect of missense changes on protein structure and function outputs the following: PolyPhen-2: "Benign". The threonine amino acid residue is found in multiple mammalian species, which suggests that this missense change does not adversely affect protein function. In summary, the available evidence is currently insufficient to determine the role of this variant in disease. Therefore, it has been classified as a Variant of Uncertain Significance.